The following is an entry in ClinVar:

NM_000218.3(KCNQ1):c.2018A>G (p.Asp673Gly)

Genes: KCNQ1 (potassium voltage-gated channel subfamily Q member 1; plus strand), KCNQ1-AS1 (KCNQ1 antisense RNA 1; minus strand). Cytogenetic location: 11p15.4.
Variant type: single nucleotide variant.
Coding change: c.2018A>G on transcript NM_000218.3 (MANE Select); coding-DNA position 2018, A replaced by G.
Protein change: p.Asp673Gly; replaces aspartic acid 673 with glycine.
Molecular consequence: missense variant.
Genome position (GRCh38, 1-based): chr11:2,847,990, A>G. VCF-style: chr11-2847990-A-G. GRCh37 (hg19) VCF-style: chr11-2869220-A-G.
Other names: c.1922A>G, p.Asp641Gly (NM_001406836.1); c.1748A>G, p.Asp583Gly (NM_001406837.1); c.1478A>G, p.Asp493Gly (NM_001406838.1); c.530A>G, p.Asp177Gly (NM_001406839.1); c.1637A>G, p.Asp546Gly (NM_181798.2); short protein forms D493G, D583G, D641G, D177G, D546G, D673G.
Identifiers: ClinVar variation 4698277 (VCV004698277.1).
Genomic context (GRCh38, chr11:2,847,990, plus strand): 5'-TCCTGCCCAGCAACACCCTGCCCACCTACGAGCAGCTGACCGTGCCCAGGAGGGGCCCCG[A>G]TGAGGGGTCCTGAGGAGGGGATGGGGCTGGGGGATGGGCCTGAGTGAGAGGGGAGGCCAA-3'
Protein context (NP_000209.2, residues 663-676): EQLTVPRRGP[Asp673Gly]EGS

ClinVar aggregate classification (germline): Uncertain significance (1 of 4 stars; one submission).

Conditions:
Long QT syndrome (LQTS). Identifiers: MedGen C0023976, MeSH D008133, MONDO:0002442. Disease mechanism: loss of function. Inheritance: Various modes of inheritance.

Submission:

Labcorp Genetics (formerly Invitae), Labcorp
Classification: Uncertain significance for Long QT syndrome. Last evaluated: 2025-03-06. Review status: criteria provided, single submitter. Criteria: Invitae Variant Classification Sherloc (09022015). Collection method: clinical testing. Allele origin: germline.
Comment: This sequence change replaces aspartic acid, which is acidic and polar, with glycine, which is neutral and non-polar, at codon 673 of the KCNQ1 protein (p.Asp673Gly). This variant is not present in population databases (gnomAD no frequency). This missense change has been observed in individual(s) with clinical features of Long QT syndrome (PMID: 21769575, 32383558). Invitae Evidence Modeling of protein sequence and biophysical properties (such as structural, functional, and spatial information, amino acid conservation, physicochemical variation, residue mobility, and thermodynamic stability) indicates that this missense variant is not expected to disrupt KCNQ1 protein function with a negative predictive value of 95%. Algorithms developed to predict the effect of sequence changes on RNA splicing suggest that this variant may create or strengthen a splice site. In summary, the available evidence is currently insufficient to determine the role of this variant in disease. Therefore, it has been classified as a Variant of Uncertain Significance.

Literature cited by the submitters: PubMed 21769575; PubMed 32383558.